The following is an entry in ClinVar:

NM_000051.4(ATM):c.5130G>T (p.Trp1710Cys)

Gene: ATM (ATM serine/threonine kinase; plus strand). Cytogenetic location: 11q22.3.
Variant type: single nucleotide variant.
Coding change: c.5130G>T on transcript NM_000051.4 (MANE Select); coding-DNA position 5130, G replaced by T.
Protein change: p.Trp1710Cys; replaces tryptophan 1710 with cysteine.
Molecular consequence: missense variant.
Genome position (GRCh38, 1-based): chr11:108,299,838, G>T. VCF-style: chr11-108299838-G-T. GRCh37 (hg19) VCF-style: chr11-108170565-G-T.
Other names: c.5130G>T, p.Trp1710Cys (NM_001351834.2); short protein forms W1710C.
Identifiers: ClinVar variation 233586 (VCV000233586.5), dbSNP rs780816003, ClinGen allele CA6265632.

ClinVar aggregate classification (germline): Uncertain significance (1 of 4 stars; one submission).

Conditions:
Hereditary cancer-predisposing syndrome. Also called: Neoplastic Syndromes, Hereditary; Tumor predisposition; Hereditary Cancer Syndrome; Hereditary neoplastic syndrome. Identifiers: Orphanet 140162, MedGen C0027672, MeSH D009386, MONDO:0015356.

Allele frequency attached by ClinVar (database versions not stated): gnomAD exomes below 0.00001; ExAC 0.00001.
gnomAD v4.1: 2 of 1,613,848 alleles (0.00012%); highest among the groups gnomAD compares: African/African-American, 0.0013%; no homozygotes.

Submission:

Ambry Genetics
Classification: Uncertain significance for Hereditary cancer-predisposing syndrome. Last evaluated: 2015-08-27. Review status: criteria provided, single submitter. Criteria: Ambry Variant Classification Scheme 2023. Collection method: clinical testing. Allele origin: germline.
Comment: The p.W1710C variant (also known as c.5130G>T), located in coding exon 33 of the ATM gene, results from a G to T substitution at nucleotide position 5130. The tryptophan at codon 1710 is replaced by cysteine, an amino acid with highly dissimilar properties. This variant was not reported in population based cohorts in the following databases: Database of Single Nucleotide Polymorphisms (dbSNP), NHLBI Exome Sequencing Project (ESP), and 1000 Genomes Project. In the ESP, this variant was not observed in 6499 samples (12998 alleles) with coverage at this position. To date, this alteration has been detected with an allele frequency of approximately 0.002% (greater than 66000 alleles tested) in our clinical cohort. This amino acid position is well conserved in available vertebrate species. In addition, this alteration is predicted to be tolerated by in silico analysis. Since supporting evidence is limited at this time, the clinical significance of p.W1710C remains unclear.